The following is an entry in ClinVar:

NM_000440.3(PDE6A):c.1115A>G (p.Lys372Arg)

Gene: PDE6A (phosphodiesterase 6A; minus strand). Cytogenetic location: 5q32.
Variant type: single nucleotide variant.
Coding change: c.1115A>G on transcript NM_000440.3 (MANE Select); coding-DNA position 1115, A replaced by G.
Protein change: p.Lys372Arg; replaces lysine 372 with arginine.
Molecular consequence: missense variant.
Genome position (GRCh38, 1-based): chr5:149,899,523, T>C on the plus strand (A>G on the coding strand, the complement: PDE6A is on the minus strand). VCF-style: chr5-149899523-T-C. GRCh37 (hg19) VCF-style: chr5-149279086-T-C.
Other names: short protein forms K372R.
Identifiers: ClinVar variation 1503973 (VCV001503973.3), dbSNP rs376605128, ClinGen allele CA3504770.
Genomic context (GRCh38, chr5:149,899,523, plus strand): 5'-TTCACAATCGGCATTGAAAGCACATTTTTAATCATCCATCCAGACTCATCCAGAGGTTCT[T>C]TCTACAAGAGAAGGGCTAGATTAGGTTTCCTCTTGTTTCAGGCCACAGAGGCAACGATGA-3'
Protein context (NP_000431.2, residues 362-382): APAEDFFAFQ[Lys372Arg]EPLDESGWMI

ClinVar aggregate classification (germline): Uncertain significance (1 of 4 stars; one submission).

Allele frequency attached by ClinVar (database versions not stated): TOPMed below 0.00001; gnomAD 0.00001; ExAC 0.00002; gnomAD exomes 0.00003 and 0.00005.
gnomAD v4.1: 40 of 1,614,030 alleles (0.0025%); highest among the groups gnomAD compares: South Asian, 0.044%; 2 homozygotes.

Submission:

Labcorp Genetics (formerly Invitae), Labcorp
Classification: Uncertain significance. Last evaluated: 2021-08-11. Review status: criteria provided, single submitter. Criteria: Invitae Variant Classification Sherloc (09022015). Collection method: clinical testing. Allele origin: germline.
Comment: This sequence change replaces lysine with arginine at codon 372 of the PDE6A protein (p.Lys372Arg). The lysine residue is highly conserved and there is a small physicochemical difference between lysine and arginine. This variant is present in population databases (rs376605128, ExAC 0.02%). This variant has not been reported in the literature in individuals affected with PDE6A-related conditions. Algorithms developed to predict the effect of missense changes on protein structure and function (SIFT, PolyPhen-2, Align-GVGD) all suggest that this variant is likely to be tolerated. In summary, the available evidence is currently insufficient to determine the role of this variant in disease. Therefore, it has been classified as a Variant of Uncertain Significance.